The following is an entry in ClinVar:

NM_004260.4(RECQL4):c.964C>A (p.Leu322Ile)

Gene: RECQL4 (RecQ like helicase 4; minus strand). Cytogenetic location: 8q24.3.
Variant type: single nucleotide variant.
Coding change: c.964C>A on transcript NM_004260.4 (MANE Select); coding-DNA position 964, C replaced by A.
Protein change: p.Leu322Ile; replaces leucine 322 with isoleucine.
Molecular consequence: missense variant.
Genome position (GRCh38, 1-based): chr8:144,516,155, G>T on the plus strand (C>A on the coding strand, the complement: RECQL4 is on the minus strand). VCF-style: chr8-144516155-G-T. GRCh37 (hg19) VCF-style: chr8-145741539-G-T.
Other names: c.964C>A (NM_004260.3); short protein forms L322I.
Identifiers: ClinVar variation 1058665 (VCV001058665.6), dbSNP rs780176764, ClinGen allele CA372688514.

ClinVar aggregate classification (germline): Uncertain significance. Review status: criteria provided, multiple submitters, no conflicts (2 of 4 stars). 2 submissions from 2 submitters: Uncertain significance (2). Last evaluated 2025-09-06.

Conditions:
Inborn genetic diseases. Identifiers: MedGen C0950123, MeSH D030342.
Baller-Gerold syndrome (BGS). Also called: CRANIOSYNOSTOSIS WITH RADIAL DEFECTS. Identifiers: Orphanet 1225, MedGen C0265308, MONDO:0009039, OMIM 218600.

Submissions (2):

Ambry Genetics
Classification: Uncertain significance for Inborn genetic diseases. Last evaluated: 2025-09-06. Review status: criteria provided, single submitter. Criteria: Ambry Variant Classification Scheme 2023. Collection method: clinical testing. Allele origin: germline.
Comment: The p.L322I variant (also known as c.964C>A), located in coding exon 5 of the RECQL4 gene, results from a C to A substitution at nucleotide position 964. The leucine at codon 322 is replaced by isoleucine, an amino acid with highly similar properties. This amino acid position is conserved. In addition, this alteration is predicted to be tolerated by in silico analysis. Based on the available evidence, the clinical significance of this variant remains unclear.

Labcorp Genetics (formerly Invitae), Labcorp
Classification: Uncertain significance for Baller-Gerold syndrome. Last evaluated: 2024-04-29. Review status: criteria provided, single submitter. Criteria: Invitae Variant Classification Sherloc (09022015). Collection method: clinical testing. Allele origin: germline.
Comment: This sequence change replaces leucine, which is neutral and non-polar, with isoleucine, which is neutral and non-polar, at codon 322 of the RECQL4 protein (p.Leu322Ile). This variant is not present in population databases (gnomAD no frequency). This variant has not been reported in the literature in individuals affected with RECQL4-related conditions. ClinVar contains an entry for this variant (Variation ID: 1058665). Experimental studies and prediction algorithms are not available or were not evaluated, and the functional significance of this variant is currently unknown. In summary, the available evidence is currently insufficient to determine the role of this variant in disease. Therefore, it has been classified as a Variant of Uncertain Significance.